The following is an entry in ClinVar:

ClinVar aggregate classification (germline): Pathogenic (1 of 4 stars; one submission).

Conditions:
Fanconi anemia (FA). Also called: Fanconi's anemia. Identifiers: Orphanet 84, MedGen C0015625, MeSH D005199, MONDO:0019391.

Submission:

Labcorp Genetics (formerly Invitae), Labcorp
Classification: Pathogenic for Fanconi anemia. Last evaluated: 2022-09-26. Review status: criteria provided, single submitter. Criteria: Invitae Variant Classification Sherloc (09022015). Collection method: clinical testing. Allele origin: germline.
Comment: This variant is a gross deletion of the genomic region encompassing exon(s) 11-29 of the FANCA gene. This variant would be expected to be in-frame, preserving the integrity of the reading frame. This variant has not been reported in the literature in individuals affected with FANCA-related conditions. The region of the FANCA gene that includes exon(s) 15 has been determined to be clinically significant (PMID: 17924555, 24689079). Therefore, deletions that encompass that region are likely to be disease-causing. For these reasons, this variant has been classified as Pathogenic.

Literature cited by the submitters: PubMed 17924555; PubMed 24689079.

NC_000016.9:g.(?_89828347)_(89862436_?)del

Gene: FANCA (FA complementation group A; minus strand). Cytogenetic location: 16q24.3.
Variant type: Deletion.
Identifiers: ClinVar variation 1066574 (VCV001066574.5).